The following is an entry in ClinVar:

ClinVar aggregate classification (germline): Uncertain significance (1 of 4 stars; one submission).

Allele frequency attached by ClinVar (database versions not stated): ExAC 0.00001; gnomAD 0.00001; TOPMed 0.00001; gnomAD exomes 0.00004.
gnomAD v4.1: 62 of 1,588,562 alleles (0.0039%); highest among the groups gnomAD compares: Non-Finnish European, 0.0053%; no homozygotes.

Submission:

Ambry Genetics
Classification: Uncertain significance. Last evaluated: 2023-10-19. Review status: criteria provided, single submitter. Criteria: Ambry Variant Classification Scheme 2023. Collection method: clinical testing. Allele origin: germline.
Comment: The p.Q378K variant (also known as c.1132C>A), located in coding exon 10 of the SLMAP gene, results from a C to A substitution at nucleotide position 1132. The glutamine at codon 378 is replaced by lysine, an amino acid with similar properties. This amino acid position is conserved. In addition, the in silico prediction for this alteration is inconclusive. Since supporting evidence is limited at this time, the clinical significance of this alteration remains unclear.

NM_001377540.1(SLMAP):c.1132C>A (p.Gln378Lys)

Gene: SLMAP (sarcolemma associated protein; plus strand). Cytogenetic location: 3p14.3.
Variant type: single nucleotide variant.
Coding change: c.1132C>A on transcript NM_001377540.1 (MANE Select); coding-DNA position 1132, C replaced by A.
Protein change: p.Gln378Lys; replaces glutamine 378 with lysine.
Molecular consequence: missense variant. On other transcripts: non-coding transcript variant (1).
Genome position (GRCh38, 1-based): chr3:57,864,713, C>A. VCF-style: chr3-57864713-C-A. GRCh37 (hg19) VCF-style: chr3-57850440-C-A.
Other names: c.1132C>A, p.Gln378Lys (NM_001304420.3, NM_001304421.2, NM_001377538.1 and 17 more transcripts); short protein forms Q378K.
Identifiers: ClinVar variation 2295255 (VCV002295255.2), dbSNP rs750129009, ClinGen allele CA2467009.
Genomic context (GRCh38, chr3:57,864,713, plus strand): 5'-GCAAAAATAGAAGCTTTGCAAGCTGATAATGATTTCACCAATGAAAGGCTAACAGCTTTA[C>A]AAGGTAAGTAGCTAATCCAGAAATTGATTTTATTTTATTTTTTTTCTTGTTATCTGTGAA-3'
Protein context (NP_001364469.1, residues 368-388): DFTNERLTAL[Gln378Lys]VRLEHLQEKT